The following is an entry in ClinVar:

ClinVar aggregate classification (germline): Likely benign. Review status: criteria provided, multiple submitters, no conflicts (2 of 4 stars). 3 submissions from 3 submitters: Likely benign (3). Last evaluated 2025-07-13.

Conditions:
COL9A1-related disorder. Also called: COL9A1-related disorders; COL9A1-related condition.

Allele frequency attached by ClinVar (database versions not stated): ExAC 0.00001; gnomAD exomes 0.00001 and 0.00002; gnomAD 0.00015 and 0.00016; TOPMed 0.00017.
gnomAD v4.1: 33 of 1,613,870 alleles (0.002%); highest among the groups gnomAD compares: African/African-American, 0.043%; no homozygotes.

Submissions (3):

Labcorp Genetics (formerly Invitae), Labcorp
Classification: Likely benign. Last evaluated: 2025-07-13. Review status: criteria provided, single submitter. Criteria: Invitae Variant Classification Sherloc (09022015). Collection method: clinical testing. Allele origin: germline.

PreventionGenetics, part of Exact Sciences
Classification: Likely benign for COL9A1-related condition. Last evaluated: 2025-04-29. Review status: criteria provided, single submitter. Criteria: ACMG Guidelines, 2015. Collection method: clinical testing. Allele origin: germline.
Comment: This variant is classified as likely benign based on ACMG/AMP sequence variant interpretation guidelines (Richards et al. 2015 PMID: 25741868, with internal and published modifications).

Blueprint Genetics
Classification: Likely benign. Last evaluated: 2022-10-10. Review status: criteria provided, single submitter. Criteria: ACMG Guidelines, 2015. Collection method: clinical testing. Allele origin: germline.

NM_001851.6(COL9A1):c.2535T>C (p.Pro845=)

Gene: COL9A1 (collagen type IX alpha 1 chain; minus strand). Cytogenetic location: 6q13.
Variant type: single nucleotide variant.
Coding change: c.2535T>C on transcript NM_001851.6 (MANE Select); coding-DNA position 2535, T replaced by C.
Protein change: p.Pro845=; no amino-acid change (proline 845 retained).
Molecular consequence: synonymous variant. On other transcripts: non-coding transcript variant (1).
Genome position (GRCh38, 1-based): chr6:70,225,978, A>G on the plus strand (T>C on the coding strand, the complement: COL9A1 is on the minus strand). VCF-style: chr6-70225978-A-G. GRCh37 (hg19) VCF-style: chr6-70935681-A-G.
Other names: c.2535T>C (NM_001851.4); c.1836T>C, p.Pro612= (NM_001377289.1); c.1659T>C, p.Pro553= (NM_001377290.1); c.1806T>C, p.Pro602= (NM_078485.4).
Identifiers: ClinVar variation 1081518 (VCV001081518.11), dbSNP rs751660212, ClinGen allele CA3881740.